The following is an entry in ClinVar:

ClinVar aggregate classification (germline): Uncertain significance (1 of 4 stars; one submission).

Conditions:
Fanconi anemia complementation group E (FANCE). Also called: FANCE-Related Fanconi Anemia. Identifiers: Orphanet 84, MedGen C3160739, MONDO:0010953, OMIM 600901.

Submission:

Labcorp Genetics (formerly Invitae), Labcorp
Classification: Uncertain significance for Fanconi anemia complementation group E. Last evaluated: 2022-08-15. Review status: criteria provided, single submitter. Criteria: Invitae Variant Classification Sherloc (09022015). Collection method: clinical testing. Allele origin: germline.
Comment: In summary, the available evidence is currently insufficient to determine the role of this variant in disease. Therefore, it has been classified as a Variant of Uncertain Significance. Algorithms developed to predict the effect of missense changes on protein structure and function (SIFT, PolyPhen-2, Align-GVGD) all suggest that this variant is likely to be tolerated. ClinVar contains an entry for this variant (Variation ID: 1484363). This variant has not been reported in the literature in individuals affected with FANCE-related conditions. This variant is not present in population databases (gnomAD no frequency). This sequence change replaces glutamine, which is neutral and polar, with lysine, which is basic and polar, at codon 163 of the FANCE protein (p.Gln163Lys).

NM_021922.3(FANCE):c.487C>A (p.Gln163Lys)

Gene: FANCE (FA complementation group E; plus strand). Cytogenetic location: 6p21.31.
Variant type: single nucleotide variant.
Coding change: c.487C>A on transcript NM_021922.3 (MANE Select); coding-DNA position 487, C replaced by A.
Protein change: p.Gln163Lys; replaces glutamine 163 with lysine.
Molecular consequence: missense variant.
Genome position (GRCh38, 1-based): chr6:35,455,985, C>A. VCF-style: chr6-35455985-C-A. GRCh37 (hg19) VCF-style: chr6-35423762-C-A.
Other names: short protein forms Q163K.
Identifiers: ClinVar variation 1484363 (VCV001484363.8), dbSNP rs1767316578, ClinGen allele CA363773010.
Genomic context (GRCh38, chr6:35,455,985, plus strand): 5'-GATTTGGGGGTGGGGACCTCCATGGAGGGAGCTTCTCCACTGTCTGAAAGATGCCAGAGA[C>A]AGCTCCAAAGTCTATGTAGGGGGCTGGGCCTGGGGGGCAGGAGGTTGAAATCCCCCCAGG-3'
Protein context (NP_068741.1, residues 153-173): ASPLSERCQR[Gln163Lys]LQSLCRGLGL